The following is an entry in ClinVar:

NM_001161352.2(KCNMA1):c.1894G>T (p.Ala632Ser)

Gene: KCNMA1 (potassium calcium-activated channel subfamily M alpha 1; minus strand). Cytogenetic location: 10q22.3.
Variant type: single nucleotide variant.
Coding change: c.1894G>T on transcript NM_001161352.2 (MANE Select); coding-DNA position 1894, G replaced by T.
Protein change: p.Ala632Ser; replaces alanine 632 with serine.
Molecular consequence: missense variant.
Genome position (GRCh38, 1-based): chr10:77,027,857, C>A on the plus strand (G>T on the coding strand, the complement: KCNMA1 is on the minus strand). VCF-style: chr10-77027857-C-A. GRCh37 (hg19) VCF-style: chr10-78787615-C-A.
Other names: c.1894G>T, p.Ala632Ser (NM_001014797.3, NM_001161353.2, NM_001271519.2 and 8 more transcripts); c.1732G>T, p.Ala578Ser (NM_001271518.2); c.1354G>T, p.Ala452Ser (NM_001322838.2); short protein forms A452S, A578S, A632S.
Identifiers: ClinVar variation 3343047 (VCV003343047.1).

ClinVar aggregate classification (germline): Uncertain significance (1 of 4 stars; one submission).

Submission:

GeneDx
Classification: Uncertain significance. Last evaluated: 2023-04-13. Review status: criteria provided, single submitter. Criteria: GeneDx Variant Classification Process June 2021. Collection method: clinical testing. Allele origin: germline. Affected: yes.
Comment: Not observed at significant frequency in large population cohorts (gnomAD); In silico analysis supports that this missense variant has a deleterious effect on protein structure/function; Has not been previously published as pathogenic or benign to our knowledge